The following is an entry in ClinVar:

NM_020738.4(KIDINS220):c.5259T>A (p.His1753Gln)

Gene: KIDINS220 (kinase D interacting substrate 220; minus strand). Cytogenetic location: 2p25.1.
Variant type: single nucleotide variant.
Coding change: c.5259T>A on transcript NM_020738.4 (MANE Select); coding-DNA position 5259, T replaced by A.
Protein change: p.His1753Gln; replaces histidine 1753 with glutamine.
Molecular consequence: missense variant. On other transcripts: intron variant (6).
Genome position (GRCh38, 1-based): chr2:8,730,777, A>T on the plus strand (T>A on the coding strand, the complement: KIDINS220 is on the minus strand). VCF-style: chr2-8730777-A-T. GRCh37 (hg19) VCF-style: chr2-8870907-A-T.
Other names: c.5262T>A, p.His1754Gln (NM_001348729.2); c.5205T>A, p.His1735Gln (NM_001348731.2); c.5202T>A, p.His1734Gln (NM_001348732.2); c.5091T>A, p.His1697Gln (NM_001348734.2); c.5088T>A, p.His1696Gln (NM_001348735.2); c.4962T>A, p.His1654Gln (NM_001348736.2); c.3882+2667T>A (NM_001348741.2, NM_001348742.2, NM_001348743.2); c.3996+2667T>A (NM_001348738.2); and 1 more; short protein forms H1696Q, H1697Q, H1735Q, H1734Q, H1753Q, H1754Q, H1654Q.
Identifiers: ClinVar variation 4727603 (VCV004727603.1).

ClinVar aggregate classification (germline): Uncertain significance (1 of 4 stars; one submission).

Submission:

Labcorp Genetics (formerly Invitae), Labcorp
Classification: Uncertain significance. Last evaluated: 2025-09-22. Review status: criteria provided, single submitter. Criteria: Invitae Variant Classification Sherloc (09022015). Collection method: clinical testing. Allele origin: germline.
Comment: This sequence change replaces histidine, which is basic and polar, with glutamine, which is neutral and polar, at codon 1753 of the KIDINS220 protein (p.His1753Gln). This variant is not present in population databases (gnomAD no frequency). This variant has not been reported in the literature in individuals affected with KIDINS220-related conditions. An algorithm developed to predict the effect of missense changes on protein structure and function (PolyPhen-2) suggests that this variant is likely to be tolerated. In summary, the available evidence is currently insufficient to determine the role of this variant in disease. Therefore, it has been classified as a Variant of Uncertain Significance.